The following is an entry in ClinVar:

ClinVar aggregate classification (germline): Benign (1 of 4 stars; one submission).

Allele frequency attached by ClinVar (database versions not stated): 1000 Genomes Project 30x 0.59463; 1000 Genomes Project 0.59585; TOPMed 0.61634; ExAC 0.62298; gnomAD 0.62582; ESP Exome Variant Server 0.62694; gnomAD exomes 0.64532.
gnomAD v4.1: 1,015,733 of 1,581,154 alleles (64%); highest among the groups gnomAD compares: Non-Finnish European, 66%; 328,368 homozygotes.

Submission:

Unidad de Genómica Garrahan, Hospital de Pediatría Garrahan
Classification: Benign. Last evaluated: 2024-01-24. Review status: criteria provided, single submitter. Criteria: ACMG Guidelines, 2015. Collection method: clinical testing. Allele origin: germline. Affected: no. Observed: 69 variant alleles.
Comment: This variant is classified as Benign based on local population frequency. This variant was detected in 78% of patients studied by a panel of primary immunodeficiencies. Number of patients: 69. Only high quality variants are reported.

NM_001040458.3(ERAP1):c.1680-7A>C

Gene: ERAP1 (endoplasmic reticulum aminopeptidase 1; minus strand). Cytogenetic location: 5q15.
Variant type: single nucleotide variant.
Coding change: c.1680-7A>C on transcript NM_001040458.3 (MANE Select); 7 bases into the intron before coding-DNA position 1680, A replaced by C.
Molecular consequence: intron variant.
Genome position (GRCh38, 1-based): chr5:96,786,556, T>G on the plus strand (A>C on the coding strand, the complement: ERAP1 is on the minus strand). VCF-style: chr5-96786556-T-G. GRCh37 (hg19) VCF-style: chr5-96122260-T-G.
Other names: c.1680-7A>C (NM_001349244.2, NM_016442.5, NM_001198541.3).
Identifiers: ClinVar variation 2688357 (VCV002688357.2), dbSNP rs30379, ClinGen allele CA3352171.